The following is an entry in ClinVar:

NM_006514.4(SCN10A):c.5200G>A (p.Glu1734Lys)

Gene: SCN10A (sodium voltage-gated channel alpha subunit 10; minus strand). Cytogenetic location: 3p22.2.
Variant type: single nucleotide variant.
Coding change: c.5200G>A on transcript NM_006514.4 (MANE Select); coding-DNA position 5200, G replaced by A.
Protein change: p.Glu1734Lys; replaces glutamic acid 1734 with lysine.
Molecular consequence: missense variant.
Genome position (GRCh38, 1-based): chr3:38,698,020, C>T on the plus strand (G>A on the coding strand, the complement: SCN10A is on the minus strand). VCF-style: chr3-38698020-C-T. GRCh37 (hg19) VCF-style: chr3-38739511-C-T.
Other names: p.Glu1734Lys; c.5200G>A (NM_006514.2); c.5197G>A, p.Glu1733Lys (NM_001293306.2); c.4906G>A, p.Glu1636Lys (NM_001293307.2); short protein forms E1734K, E1636K, E1733K.
Identifiers: ClinVar variation 532083 (VCV000532083.17), dbSNP rs200645452, ClinGen allele CA2319721.
Genomic context (GRCh38, chr3:38,698,020, plus strand): 5'-CTGGGTCAAACTTCTCCCAGGTCTCATAGAACATGTCAAAGTCGTCCTCACTCAGGGGCT[C>T]AGTGCTCTCCTCCGTGGCCACATTGAAGTTCTCCAGAATCACTGCAATGTACATGTTGAC-3'
Protein context (NP_006505.4, residues 1724-1744): NFNVATEEST[Glu1734Lys]PLSEDDFDMF

ClinVar aggregate classification (germline): Conflicting classifications of pathogenicity. Review status: criteria provided, conflicting classifications (1 of 4 stars). 7 submissions from 7 submitters: Uncertain significance (4); Likely benign (3). Last evaluated 2026-01-13.

Conditions:
Episodic pain syndrome, familial, 2 (FEPS2). Identifiers: Orphanet 306577, MedGen C3809893, MONDO:0014246, OMIM 615551.
Brugada syndrome. Also called: Sudden unexpected nocturnal death syndrome; Sudden unexplained nocturnal death syndrome; Sudden Unexplained Death Syndrome; Sudden Unexplained Nocturnal Death Syndrome (SUNDS). Identifiers: Orphanet 130, MedGen C1142166, MONDO:0015263.
SCN10A-related disorder. Also called: SCN10A-related condition.
Cardiovascular phenotype. Identifiers: MedGen CN230736.

Allele frequency attached by ClinVar (database versions not stated): ESP Exome Variant Server 0.00008; TOPMed 0.00012; ExAC 0.00016; gnomAD 0.00016 and 0.00017; gnomAD exomes 0.00017 and 0.00035.
gnomAD v4.1: 531 of 1,614,028 alleles (0.033%); highest among the groups gnomAD compares: Non-Finnish European, 0.044%; 1 homozygote.

Submissions (7):

PreventionGenetics, part of Exact Sciences
Classification: Uncertain significance for SCN10A-related condition. Last evaluated: 2026-01-13. Review status: criteria provided, single submitter. Criteria: ACMG Guidelines, 2015. Collection method: clinical testing. Allele origin: germline.
Comment: The SCN10A c.5200G>A variant is predicted to result in the amino acid substitution p.Glu1734Lys. This variant has been reported in an individual with small fiber neuropathy (Eijkenboom et al. 2018. PubMed ID: 30554136). This variant is reported in 0.034% of alleles in individuals of European (Non-Finnish) descent in gnomAD, which is likely too common to be a primary cause of disease. Although we suspect that this variant may be benign, at this time, the clinical significance of this variant is uncertain due to the absence of conclusive functional and genetic evidence.

GeneDx
Classification: Uncertain significance. Last evaluated: 2025-12-09. Review status: criteria provided, single submitter. Criteria: GeneDx Variant Classification Process June 2021. Collection method: clinical testing. Allele origin: germline. Affected: yes.
Comment: In silico analysis supports that this missense variant has a deleterious effect on protein structure/function; This variant is associated with the following publications: (PMID: 30554136, 38426305)

Labcorp Genetics (formerly Invitae), Labcorp
Classification: Uncertain significance for Brugada syndrome. Last evaluated: 2025-11-03. Review status: criteria provided, single submitter. Criteria: Invitae Variant Classification Sherloc (09022015). Collection method: clinical testing. Allele origin: germline.
Comment: This sequence change replaces glutamic acid, which is acidic and polar, with lysine, which is basic and polar, at codon 1734 of the SCN10A protein (p.Glu1734Lys). The frequency data for this variant in the population databases is considered unreliable, as metrics indicate poor data quality at this position in the gnomAD database. This missense change has been observed in individual(s) with small fiber neuropathy and/or Brugada syndrome (PMID: 30554136). ClinVar contains an entry for this variant (Variation ID: 532083). Invitae Evidence Modeling of protein sequence and biophysical properties (such as structural, functional, and spatial information, amino acid conservation, physicochemical variation, residue mobility, and thermodynamic stability) indicates that this missense variant is not expected to disrupt SCN10A protein function with a negative predictive value of 80%. In summary, the available evidence is currently insufficient to determine the role of this variant in disease. Therefore, it has been classified as a Variant of Uncertain Significance.

Mayo Clinic Laboratories, Mayo Clinic
Classification: Likely benign. Last evaluated: 2024-10-26. Review status: criteria provided, single submitter. Criteria: ACMG Guidelines, 2015. Collection method: clinical testing. Allele origin: germline. Observed: 1 variant allele.
Comment: BS2

Blueprint Genetics
Classification: Likely benign. Last evaluated: 2024-07-01. Review status: criteria provided, single submitter. Criteria: ACMG Guidelines, 2015. Collection method: clinical testing. Allele origin: germline.

Fulgent Genetics
Classification: Uncertain significance for Episodic pain syndrome, familial, 2. Last evaluated: 2022-05-18. Review status: criteria provided, single submitter. Criteria: ACMG Guidelines, 2015. Collection method: clinical testing. Allele origin: unknown.

Ambry Genetics
Classification: Likely benign for Cardiovascular phenotype. Last evaluated: 2021-12-20. Review status: criteria provided, single submitter. Criteria: Ambry Variant Classification Scheme 2023. Collection method: clinical testing. Allele origin: germline.

Literature cited by the submitters: PubMed 30554136 (cited by Labcorp Genetics (formerly Invitae), Labcorp and Mayo Clinic Laboratories, Mayo Clinic).